The following is an entry in ClinVar:

NM_199420.4(POLQ):c.7439T>C (p.Ile2480Thr)

Gene: POLQ (DNA polymerase theta; minus strand). Cytogenetic location: 3q13.33.
Variant type: single nucleotide variant.
Coding change: c.7439T>C on transcript NM_199420.4 (MANE Select); coding-DNA position 7439, T replaced by C.
Protein change: p.Ile2480Thr; replaces isoleucine 2480 with threonine.
Molecular consequence: missense variant.
Genome position (GRCh38, 1-based): chr3:121,436,226, A>G on the plus strand (T>C on the coding strand, the complement: POLQ is on the minus strand). VCF-style: chr3-121436226-A-G. GRCh37 (hg19) VCF-style: chr3-121155073-A-G.
Other names: short protein forms I2480T.
Identifiers: ClinVar variation 1758911 (VCV001758911.2), dbSNP rs752198174, ClinGen allele CA81838725.

ClinVar aggregate classification (germline): Uncertain significance (1 of 4 stars; one submission).

Allele frequency attached by ClinVar (database versions not stated): TOPMed below 0.00001; gnomAD 0.00001; gnomAD exomes 0.00003.
gnomAD v4.1: 48 of 1,613,736 alleles (0.003%); highest among the groups gnomAD compares: Non-Finnish European, 0.004%; no homozygotes.

Submission:

Ambry Genetics
Classification: Uncertain significance. Last evaluated: 2023-10-13. Review status: criteria provided, single submitter. Criteria: Ambry Variant Classification Scheme 2023. Collection method: clinical testing. Allele origin: germline.
Comment: The p.I2480T variant (also known as c.7439T>C), located in coding exon 28 of the POLQ gene, results from a T to C substitution at nucleotide position 7439. The isoleucine at codon 2480 is replaced by threonine, an amino acid with similar properties. This amino acid position is conserved. In addition, this alteration is predicted to be deleterious by in silico analysis. Since supporting evidence is limited at this time, the clinical significance of this alteration remains unclear.